The following is an entry in ClinVar:

ClinVar aggregate classification (germline): Likely benign. Review status: criteria provided, multiple submitters, no conflicts (2 of 4 stars). 2 submissions from 2 submitters: Likely benign (2). Last evaluated 2023-11-01.

Conditions:
Cardiovascular phenotype. Identifiers: MedGen CN230736.
Hereditary cancer-predisposing syndrome. Also called: Hereditary neoplastic syndrome; Neoplastic Syndromes, Hereditary; Tumor predisposition; Hereditary Cancer Syndrome. Identifiers: Orphanet 140162, MedGen C0027672, MeSH D009386, MONDO:0015356.

Submissions (2):

CeGaT Center for Human Genetics Tuebingen
Classification: Likely benign. Last evaluated: 2023-11-01. Review status: criteria provided, single submitter. Criteria: CeGaT Center For Human Genetics Tuebingen Variant Classification Criteria Version 2. Collection method: clinical testing. Allele origin: germline. Affected: yes. Observed: 1 variant allele.
Comment: NF1: PM2:Supporting, BP4, BP7

Ambry Genetics
Classification: Likely benign for Cardiovascular phenotype; Hereditary cancer-predisposing syndrome. Last evaluated: 2020-08-03. Review status: criteria provided, single submitter. Criteria: Ambry Variant Classification Scheme 2023. Collection method: clinical testing. Allele origin: germline.

NM_001042492.3(NF1):c.549C>A (p.Ile183=)

Gene: NF1 (neurofibromin 1; plus strand). Cytogenetic location: 17q11.2.
Variant type: single nucleotide variant.
Coding change: c.549C>A on transcript NM_001042492.3 (MANE Select); coding-DNA position 549, C replaced by A.
Protein change: p.Ile183=; no amino-acid change (isoleucine 183 retained).
Molecular consequence: synonymous variant.
Genome position (GRCh38, 1-based): chr17:31,169,960, C>A. VCF-style: chr17-31169960-C-A. GRCh37 (hg19) VCF-style: chr17-29496978-C-A.
Other names: c.549C>A, p.Ile183= (NM_000267.4, NM_001128147.3).
Identifiers: ClinVar variation 1747899 (VCV001747899.25), dbSNP rs1597643884, ClinGen allele CA499201514.